The following is an entry in ClinVar:

NC_012920.1(MT-CYB):m.15312T>C

Gene: MT-CYB (mitochondrially encoded cytochrome b; plus strand).
Variant type: single nucleotide variant.
Genome position: chrM-15312-T-C.
Identifiers: ClinVar variation 693864 (VCV000693864.1), dbSNP rs1603225215, ClinGen allele CA913173525.

ClinVar aggregate classification (germline): Likely benign (1 of 4 stars; one submission).

Conditions:
Leigh syndrome (NULS). Also called: Leigh's necrotizing encephalopathy; Leigh's disease; Leigh's syndrome; LEIGH SYNDROME, NUCLEAR; Leigh Syndrome (mtDNA deletion); Leigh Disease. Identifiers: Orphanet 506, MedGen C2931891, MONDO:0009723, OMIM 256000.

Submission:

Wong Mito Lab, Molecular and Human Genetics, Baylor College of Medicine
Classification: Likely benign for Leigh syndrome. Last evaluated: 2019-10-17. Review status: criteria provided, single submitter. Criteria: Modified ACMG Guidelines (Unpublished). Collection method: clinical testing. Allele origin: germline.
Comment: The NC_012920.1:m.15312T>C (YP_003024038.1:p.Ile189Thr) variant in MTCYB gene is interpretated to be a Likely Benign variant based on the modified ACMG guidelines (unpublished). This variant meets the following evidence codes: BS1, BP4